The following is an entry in ClinVar:

ClinVar aggregate classification (germline): Conflicting classifications of pathogenicity. Review status: criteria provided, conflicting classifications (1 of 4 stars). 2 submissions from 2 submitters: Uncertain significance (1); Likely benign (1). Last evaluated 2025-10-27.

Allele frequency attached by ClinVar (database versions not stated): gnomAD exomes 0.00004 and 0.00014; 1000 Genomes Project 30x 0.00031; gnomAD 0.00032 and 0.00035; TOPMed 0.00037; 1000 Genomes Project 0.00040; ESP Exome Variant Server 0.00046.
gnomAD v4.1: 112 of 1,613,656 alleles (0.0069%); highest among the groups gnomAD compares: African/African-American, 0.11%; 1 homozygote.

Submissions (2):

Labcorp Genetics (formerly Invitae), Labcorp
Classification: Uncertain significance. Last evaluated: 2025-10-27. Review status: criteria provided, single submitter. Criteria: Invitae Variant Classification Sherloc (09022015). Collection method: clinical testing. Allele origin: germline.
Comment: This sequence change replaces glycine, which is neutral and non-polar, with arginine, which is basic and polar, at codon 506 of the CSF2RB protein (p.Gly506Arg). This variant is present in population databases (rs138597994, gnomAD 0.2%), and has an allele count higher than expected for a pathogenic variant. This variant has not been reported in the literature in individuals affected with CSF2RB-related conditions. ClinVar contains an entry for this variant (Variation ID: 1387247). Invitae Evidence Modeling of protein sequence and biophysical properties (such as structural, functional, and spatial information, amino acid conservation, physicochemical variation, residue mobility, and thermodynamic stability) indicates that this missense variant is not expected to disrupt CSF2RB protein function with a negative predictive value of 80%. In summary, the available evidence is currently insufficient to determine the role of this variant in disease. Therefore, it has been classified as a Variant of Uncertain Significance.

Blueprint Genetics
Classification: Likely benign. Last evaluated: 2024-09-13. Review status: criteria provided, single submitter. Criteria: ACMG Guidelines, 2015. Collection method: clinical testing. Allele origin: germline.

NM_000395.3(CSF2RB):c.1516G>A (p.Gly506Arg)

Gene: CSF2RB (colony stimulating factor 2 receptor subunit beta; plus strand). Cytogenetic location: 22q12.3.
Variant type: single nucleotide variant.
Coding change: c.1516G>A on transcript NM_000395.3 (MANE Select); coding-DNA position 1516, G replaced by A.
Protein change: p.Gly506Arg; replaces glycine 506 with arginine.
Molecular consequence: missense variant.
Genome position (GRCh38, 1-based): chr22:36,936,600, G>A. VCF-style: chr22-36936600-G-A. GRCh37 (hg19) VCF-style: chr22-37332642-G-A.
Other names: short protein forms G506R.
Identifiers: ClinVar variation 1387247 (VCV001387247.9), dbSNP rs138597994, ClinGen allele CA10213905.
Genomic context (GRCh38, chr22:36,936,600, plus strand): 5'-CTCTTGCAGAACGGGAGCGCAGAGCTTTGGCCCCCAGGCAGCATGTCGGCCTTCACTAGC[G>A]GGAGTCCCCCACACCAGGGGCCGTGGGGCAGCCGCTTCCCTGAGCTGGAGGGGTGAGTGG-3'
Protein context (NP_000386.1, residues 496-516): PPGSMSAFTS[Gly506Arg]SPPHQGPWGS